The following is an entry in ClinVar:

NM_005228.5(EGFR):c.240G>A (p.Lys80=)

Gene: EGFR (epidermal growth factor receptor; plus strand). Cytogenetic location: 7p11.2.
Variant type: single nucleotide variant.
Coding change: c.240G>A on transcript NM_005228.5 (MANE Select); coding-DNA position 240, G replaced by A.
Protein change: p.Lys80=; no amino-acid change (lysine 80 retained).
Molecular consequence: synonymous variant. On other transcripts: intron variant (1).
Genome position (GRCh38, 1-based): chr7:55,142,437, G>A. VCF-style: chr7-55142437-G-A. GRCh37 (hg19) VCF-style: chr7-55210130-G-A.
Other names: c.240G>A, p.Lys80= (NM_001346897.2, NM_001346898.2, NM_001346899.2 and 3 more transcripts); c.81G>A, p.Lys27= (NM_001346900.2); c.89-13393G>A (NM_001346941.2).
Identifiers: ClinVar variation 2858082 (VCV002858082.4), dbSNP rs2128926458, ClinGen allele CA454960939.

ClinVar aggregate classification (germline): Uncertain significance. Review status: criteria provided, multiple submitters, no conflicts (2 of 4 stars). 2 submissions from 2 submitters: Uncertain significance (2). Last evaluated 2025-03-25.

Conditions:
Hereditary cancer-predisposing syndrome. Also called: Neoplastic Syndromes, Hereditary; Hereditary neoplastic syndrome; Tumor predisposition; Hereditary Cancer Syndrome. Identifiers: Orphanet 140162, MedGen C0027672, MeSH D009386, MONDO:0015356.
EGFR-related lung cancer (EGFR). Identifiers: MedGen CN130014.

Submissions (2):

Ambry Genetics
Classification: Uncertain significance for Hereditary cancer-predisposing syndrome. Last evaluated: 2025-03-25. Review status: criteria provided, single submitter. Criteria: Ambry Variant Classification Scheme 2023. Collection method: clinical testing. Allele origin: germline.
Comment: The c.240G>A variant (also known as p.K80K), located in coding exon 2 of the EGFR gene, results from a G to A substitution at nucleotide position 240. This nucleotide substitution does not change the lysine at codon 80. However, this change occurs in the last base pair of coding exon 2, which makes it likely to have some effect on normal mRNA splicing. This nucleotide position is well conserved in available vertebrate species. In silico splice site analysis for this alteration is inconclusive. Based on the available evidence, the clinical significance of this variant remains unclear.

Labcorp Genetics (formerly Invitae), Labcorp
Classification: Uncertain significance for EGFR-related lung cancer. Last evaluated: 2023-04-21. Review status: criteria provided, single submitter. Criteria: Invitae Variant Classification Sherloc (09022015). Collection method: clinical testing. Allele origin: germline.
Comment: In summary, the available evidence is currently insufficient to determine the role of this variant in disease. Therefore, it has been classified as a Variant of Uncertain Significance. Variants that disrupt the consensus splice site are a relatively common cause of aberrant splicing (PMID: 17576681, 9536098). Algorithms developed to predict the effect of sequence changes on RNA splicing suggest that this variant may create or strengthen a splice site. This variant has not been reported in the literature in individuals affected with EGFR-related conditions. This variant is not present in population databases (gnomAD no frequency). This sequence change affects codon 80 of the EGFR mRNA. It is a 'silent' change, meaning that it does not change the encoded amino acid sequence of the EGFR protein. This variant also falls at the last nucleotide of exon 2, which is part of the consensus splice site for this exon.

Literature cited by the submitters: PubMed 17576681 (cited by Labcorp Genetics (formerly Invitae), Labcorp); PubMed 9536098 (cited by Labcorp Genetics (formerly Invitae), Labcorp).